The following is an entry in ClinVar:

ClinVar aggregate classification (germline): Uncertain significance. Review status: criteria provided, multiple submitters, no conflicts (2 of 4 stars). 2 submissions from 2 submitters: Uncertain significance (2). Last evaluated 2024-09-06.

Conditions:
RASopathy. Also called: rasopathies; Noonan spectrum disorder. Identifiers: Orphanet 536391, MedGen C5555857, MONDO:0021060.

Allele frequency attached by ClinVar (database versions not stated): gnomAD 0.00001.

Submissions (2):

Labcorp Genetics (formerly Invitae), Labcorp
Classification: Uncertain significance for RASopathy. Last evaluated: 2024-09-06. Review status: criteria provided, single submitter. Criteria: Invitae Variant Classification Sherloc (09022015). Collection method: clinical testing. Allele origin: germline.
Comment: This sequence change replaces isoleucine, which is neutral and non-polar, with methionine, which is neutral and non-polar, at codon 111 of the MAP2K2 protein (p.Ile111Met). This variant is not present in population databases (gnomAD no frequency). This variant has not been reported in the literature in individuals affected with MAP2K2-related conditions. ClinVar contains an entry for this variant (Variation ID: 963910). Invitae Evidence Modeling incorporating data from in vitro experimental studies (internal data) indicates that this missense variant is not expected to disrupt MAP2K2 function with a negative predictive value of 95%. In summary, the available evidence is currently insufficient to determine the role of this variant in disease. Therefore, it has been classified as a Variant of Uncertain Significance.

GeneDx
Classification: Uncertain significance. Last evaluated: 2023-06-07. Review status: criteria provided, single submitter. Criteria: GeneDx Variant Classification Process June 2021. Collection method: clinical testing. Allele origin: germline. Affected: yes.
Comment: Has not been previously published as pathogenic or benign to our knowledge; Not observed at significant frequency in large population cohorts (gnomAD); In silico analysis supports that this missense variant does not alter protein structure/function; Missense variants in this gene are often considered pathogenic (HGMD)

NM_030662.4(MAP2K2):c.333C>G (p.Ile111Met)

Gene: MAP2K2 (mitogen-activated protein kinase kinase 2; minus strand). Cytogenetic location: 19p13.3.
Variant type: single nucleotide variant.
Coding change: c.333C>G on transcript NM_030662.4 (MANE Select); coding-DNA position 333, C replaced by G.
Protein change: p.Ile111Met; replaces isoleucine 111 with methionine.
Molecular consequence: missense variant.
Genome position (GRCh38, 1-based): chr19:4,110,626, G>C on the plus strand (C>G on the coding strand, the complement: MAP2K2 is on the minus strand). VCF-style: chr19-4110626-G-C. GRCh37 (hg19) VCF-style: chr19-4110624-G-C.
Other names: short protein forms I111M.
Identifiers: ClinVar variation 963910 (VCV000963910.10), dbSNP rs2041142671, ClinGen allele CA403391696.